The following is an entry in ClinVar:

NM_004115.4(FGF14):c.564G>A (p.Lys188=)

Gene: FGF14 (fibroblast growth factor 14; minus strand). Cytogenetic location: 13q33.1.
Variant type: single nucleotide variant.
Coding change: c.564G>A on transcript NM_004115.4 (MANE Select); coding-DNA position 564, G replaced by A.
Protein change: p.Lys188=; no amino-acid change (lysine 188 retained).
Molecular consequence: synonymous variant.
Genome position (GRCh38, 1-based): chr13:101,726,655, C>T on the plus strand (G>A on the coding strand, the complement: FGF14 is on the minus strand). VCF-style: chr13-101726655-C-T. GRCh37 (hg19) VCF-style: chr13-102379005-C-T.
Other names: c.312G>A, p.Lys104= (NM_001321931.1, NM_001321934.1, NM_001321935.1 and 4 more transcripts); c.375G>A, p.Lys125= (NM_001321932.1, NM_001321936.1, NM_001321944.1); c.384G>A, p.Lys128= (NM_001321933.1, NM_001321938.2, NM_001321940.1); c.468G>A, p.Lys156= (NM_001321939.2); c.378G>A, p.Lys126= (NM_001321941.2); c.462G>A, p.Lys154= (NM_001321945.2, NM_001321948.2, NM_001379342.1); c.423G>A, p.Lys141= (NM_001321947.2); c.579G>A, p.Lys193= (NM_175929.3).
Identifiers: ClinVar variation 585856 (VCV000585856.6), dbSNP rs556509693, ClinGen allele CA7037141.

ClinVar aggregate classification (germline): Benign/Likely benign. Review status: criteria provided, multiple submitters, no conflicts (2 of 4 stars). 2 submissions from 2 submitters: Benign (1); Likely benign (1). Last evaluated 2025-10-02.

Allele frequency attached by ClinVar (database versions not stated): gnomAD exomes 0.00009 and 0.00007; 1000 Genomes Project 0.00060; gnomAD 0.00004 and 0.00007; TOPMed 0.00006; ExAC 0.00007; 1000 Genomes Project 30x 0.00016.
gnomAD v4.1: 111 of 1,613,468 alleles (0.0069%); highest among the groups gnomAD compares: Non-Finnish European, 0.007%; 1 homozygote.

Submissions (2):

Labcorp Genetics (formerly Invitae), Labcorp
Classification: Benign. Last evaluated: 2025-10-02. Review status: criteria provided, single submitter. Criteria: Invitae Variant Classification Sherloc (09022015). Collection method: clinical testing. Allele origin: germline.

Athena Diagnostics
Classification: Likely benign. Last evaluated: 2025-06-06. Review status: criteria provided, single submitter. Criteria: Athena Diagnostics Criteria. Collection method: clinical testing. Allele origin: unknown.
Comment: The frequency of this variant in the general population is higher than would generally be expected for pathogenic variants in this gene. Computational tools yielded predictions that this variant is unlikely to have an effect on normal RNA splicing.